The following is an entry in ClinVar:

ClinVar aggregate classification (germline): Uncertain significance (1 of 4 stars; one submission).

Conditions:
Neurofibromatosis, type 1 (NF1). Also called: VON RECKLINGHAUSEN DISEASE; Neurofibromatosis, type I; NEUROFIBROMATOSIS, TYPE I, SOMATIC; Peripheral type neurofibromatosis. Identifiers: Orphanet 636, MedGen C0027831, MONDO:0018975, OMIM 162200. Disease mechanism: loss of function.

Submission:

Labcorp Genetics (formerly Invitae), Labcorp
Classification: Uncertain significance for Neurofibromatosis, type 1. Last evaluated: 2023-10-11. Review status: criteria provided, single submitter. Criteria: Invitae Variant Classification Sherloc (09022015). Collection method: clinical testing. Allele origin: germline.
Comment: This sequence change replaces aspartic acid, which is acidic and polar, with tyrosine, which is neutral and polar, at codon 88 of the NF1 protein (p.Asp88Tyr). This variant is not present in population databases (gnomAD no frequency). This variant has not been reported in the literature in individuals affected with NF1-related conditions. Advanced modeling of protein sequence and biophysical properties (such as structural, functional, and spatial information, amino acid conservation, physicochemical variation, residue mobility, and thermodynamic stability) performed at Invitae indicates that this missense variant is expected to disrupt NF1 protein function. Algorithms developed to predict the effect of sequence changes on RNA splicing suggest that this variant may disrupt the consensus splice site. In summary, the available evidence is currently insufficient to determine the role of this variant in disease. Therefore, it has been classified as a Variant of Uncertain Significance.

NM_001042492.3(NF1):c.262G>T (p.Asp88Tyr)

Gene: NF1 (neurofibromin 1; plus strand). Cytogenetic location: 17q11.2.
Variant type: single nucleotide variant.
Coding change: c.262G>T on transcript NM_001042492.3 (MANE Select); coding-DNA position 262, G replaced by T.
Protein change: p.Asp88Tyr; replaces aspartic acid 88 with tyrosine.
Molecular consequence: missense variant.
Genome position (GRCh38, 1-based): chr17:31,159,067, G>T. VCF-style: chr17-31159067-G-T. GRCh37 (hg19) VCF-style: chr17-29486085-G-T.
Other names: c.262G>T, p.Asp88Tyr (NM_000267.4, NM_001128147.3); short protein forms D88Y.
Identifiers: ClinVar variation 2767670 (VCV002767670.3), dbSNP rs2065717750, ClinGen allele CA398989737.
Genomic context (GRCh38, chr17:31,159,067, plus strand): 5'-TAGAGAATATTTGGAGAAGCTGCTGAAAAAAATTTATATCTCTCTCAGTTGATTATATTG[G>T]ATACACTGGAAAAATGTCTTGCTGGGGTAAGTAAATTGATCTTAAGTAGGCAGGCTTTGT-3'
Protein context (NP_001035957.1, residues 78-98): NLYLSQLIIL[Asp88Tyr]TLEKCLAGQP